The following is an entry in ClinVar:

ClinVar aggregate classification (germline): Uncertain significance (1 of 4 stars; one submission).

Conditions:
Familial hypocalciuric hypercalcemia (FHH). Also called: Familial benign hypercalcemia. Identifiers: Orphanet 405, MedGen C1809471, MONDO:0018458.
Autosomal dominant hypocalcemia 1 (HYPOC1). Also called: HYPOCALCEMIA, FAMILIAL. Identifiers: MedGen C3715128, MONDO:0011013, OMIM 601198.

Allele frequency attached by ClinVar (database versions not stated): gnomAD exomes below 0.00001; ExAC 0.00001.

Submission:

Labcorp Genetics (formerly Invitae), Labcorp
Classification: Uncertain significance for Familial hypocalciuric hypercalcemia; Autosomal dominant hypocalcemia 1. Last evaluated: 2022-08-31. Review status: criteria provided, single submitter. Criteria: Invitae Variant Classification Sherloc (09022015). Collection method: clinical testing. Allele origin: germline.
Comment: In summary, the available evidence is currently insufficient to determine the role of this variant in disease. Therefore, it has been classified as a Variant of Uncertain Significance. Algorithms developed to predict the effect of missense changes on protein structure and function are either unavailable or do not agree on the potential impact of this missense change (SIFT: "Deleterious"; PolyPhen-2: "Benign"; Align-GVGD: "Class C0"). ClinVar contains an entry for this variant (Variation ID: 1484247). This variant has not been reported in the literature in individuals affected with CASR-related conditions. This variant is present in population databases (rs750090892, gnomAD no frequency). This sequence change replaces lysine, which is basic and polar, with threonine, which is neutral and polar, at codon 506 of the CASR protein (p.Lys506Thr).

NM_000388.4(CASR):c.1517A>C (p.Lys506Thr)

Gene: CASR (calcium sensing receptor; plus strand). Cytogenetic location: 3q21.1.
Variant type: single nucleotide variant.
Coding change: c.1517A>C on transcript NM_000388.4 (MANE Select); coding-DNA position 1517, A replaced by C.
Protein change: p.Lys506Thr; replaces lysine 506 with threonine.
Molecular consequence: missense variant.
Genome position (GRCh38, 1-based): chr3:122,275,951, A>C. VCF-style: chr3-122275951-A-C. GRCh37 (hg19) VCF-style: chr3-121994798-A-C.
Other names: c.1517A>C, p.Lys506Thr (NM_001178065.2); short protein forms K506T.
Identifiers: ClinVar variation 1484247 (VCV001484247.8), dbSNP rs750090892, ClinGen allele CA2569671.